The following is an entry in ClinVar:

ClinVar aggregate classification (germline): Uncertain significance (1 of 4 stars; one submission).

Conditions:
Norman-Roberts syndrome (LIS2). Also called: Lissencephaly 2 (Norman-Roberts type). Identifiers: Orphanet 89844, MedGen C0796089, MONDO:0009760, OMIM 257320.
Familial temporal lobe epilepsy 7. Identifiers: Orphanet 101046, MedGen C4225327, MONDO:0014639, OMIM 616436.

gnomAD v4.1: 5 of 1,614,006 alleles (0.00031%); highest among the groups gnomAD compares: Non-Finnish European, 0.00042%; no homozygotes.

Submission:

Labcorp Genetics (formerly Invitae), Labcorp
Classification: Uncertain significance for Familial temporal lobe epilepsy 7; Norman-Roberts syndrome. Last evaluated: 2024-05-05. Review status: criteria provided, single submitter. Criteria: Invitae Variant Classification Sherloc (09022015). Collection method: clinical testing. Allele origin: germline.
Comment: This sequence change replaces leucine, which is neutral and non-polar, with valine, which is neutral and non-polar, at codon 1549 of the RELN protein (p.Leu1549Val). This variant is present in population databases (rs773218130, gnomAD 0.0009%). This variant has not been reported in the literature in individuals affected with RELN-related conditions. Advanced modeling of protein sequence and biophysical properties (such as structural, functional, and spatial information, amino acid conservation, physicochemical variation, residue mobility, and thermodynamic stability) performed at Invitae indicates that this missense variant is not expected to disrupt RELN protein function with a negative predictive value of 80%. In summary, the available evidence is currently insufficient to determine the role of this variant in disease. Therefore, it has been classified as a Variant of Uncertain Significance.

NM_005045.4(RELN):c.4645T>G (p.Leu1549Val)

Gene: RELN (reelin; minus strand). Cytogenetic location: 7q22.1.
Variant type: single nucleotide variant.
Coding change: c.4645T>G on transcript NM_005045.4 (MANE Select); coding-DNA position 4645, T replaced by G.
Protein change: p.Leu1549Val; replaces leucine 1549 with valine.
Molecular consequence: missense variant.
Genome position (GRCh38, 1-based): chr7:103,566,703, A>C on the plus strand (T>G on the coding strand, the complement: RELN is on the minus strand). VCF-style: chr7-103566703-A-C. GRCh37 (hg19) VCF-style: chr7-103207150-A-C.
Other names: c.4645T>G, p.Leu1549Val (NM_173054.3); short protein forms L1549V.
Identifiers: ClinVar variation 3762235 (VCV003762235.2).